The following is an entry in ClinVar:

NM_032638.5(GATA2):c.171C>G (p.Asn57Lys)

Gene: GATA2 (GATA binding protein 2; minus strand). Cytogenetic location: 3q21.3.
Variant type: single nucleotide variant.
Coding change: c.171C>G on transcript NM_032638.5 (MANE Select); coding-DNA position 171, C replaced by G.
Protein change: p.Asn57Lys; replaces asparagine 57 with lysine.
Molecular consequence: missense variant.
Genome position (GRCh38, 1-based): chr3:128,486,861, G>C on the plus strand (C>G on the coding strand, the complement: GATA2 is on the minus strand). VCF-style: chr3-128486861-G-C. GRCh37 (hg19) VCF-style: chr3-128205704-G-C.
Other names: c.171C>G, p.Asn57Lys (NM_001145661.2, NM_001145662.1); c.171C>G (NM_032638.4); short protein forms N57K.
Identifiers: ClinVar variation 1410607 (VCV001410607.29), dbSNP rs2068708105, ClinGen allele CA354408486.

ClinVar aggregate classification (germline): Uncertain significance. Review status: criteria provided, multiple submitters, no conflicts (2 of 4 stars). 3 submissions from 3 submitters: Uncertain significance (3). Last evaluated 2025-11-15.

Conditions:
Inborn genetic diseases. Identifiers: MedGen C0950123, MeSH D030342.
Monocytopenia with susceptibility to infections. Also called: MONOCYTOPENIA AND MYCOBACTERIAL INFECTION SYNDROME; MONOCYTOPENIA WITH SUSCEPTIBILITY TO MYCOBACTERIAL, FUNGAL, AND PAPILLOMAVIRUS INFECTIONS AND MYELODYSPLASIA; COMBINED IMMUNODEFICIENCY WITH SUSCEPTIBILITY TO MYCOBACTERIAL, VIRAL, AND FUNGAL INFECTIONS; Dendritic cell, monocyte, B lymphocyte, and natural killer lymphocyte deficiency; IMMUNODEFICIENCY 21; GATA2 DEFICIENCY. Identifiers: Orphanet 228423, MedGen C3280030, MONDO:0013607, OMIM 614172.
Deafness-lymphedema-leukemia syndrome. Also called: Emberger syndrome; Lymphedema, primary, with myelodysplasia. Identifiers: Orphanet 3226, MedGen C3279664, MONDO:0013540, OMIM 614038.

Submissions (3):

Ambry Genetics
Classification: Uncertain significance for Inborn genetic diseases. Last evaluated: 2025-11-15. Review status: criteria provided, single submitter. Criteria: Ambry Variant Classification Scheme 2023. Collection method: clinical testing. Allele origin: germline.
Comment: The p.N57K variant (also known as c.171C>G), located in coding exon 1 of the GATA2 gene, results from a C to G substitution at nucleotide position 171. The asparagine at codon 57 is replaced by lysine, an amino acid with similar properties. This amino acid position is conserved. In addition, the in silico prediction for this alteration is inconclusive. Based on the available evidence, the clinical significance of this variant remains unclear.

Labcorp Genetics (formerly Invitae), Labcorp
Classification: Uncertain significance for Monocytopenia with susceptibility to infections; Deafness-lymphedema-leukemia syndrome. Last evaluated: 2024-04-16. Review status: criteria provided, single submitter. Criteria: Invitae Variant Classification Sherloc (09022015). Collection method: clinical testing. Allele origin: germline.
Comment: This sequence change replaces asparagine, which is neutral and polar, with lysine, which is basic and polar, at codon 57 of the GATA2 protein (p.Asn57Lys). This variant is not present in population databases (gnomAD no frequency). This variant has not been reported in the literature in individuals affected with GATA2-related conditions. ClinVar contains an entry for this variant (Variation ID: 1410607). Advanced modeling of protein sequence and biophysical properties (such as structural, functional, and spatial information, amino acid conservation, physicochemical variation, residue mobility, and thermodynamic stability) has been performed at Invitae for this missense variant, however the output from this modeling did not meet the statistical confidence thresholds required to predict the impact of this variant on GATA2 protein function. In summary, the available evidence is currently insufficient to determine the role of this variant in disease. Therefore, it has been classified as a Variant of Uncertain Significance.

CeGaT Center for Human Genetics Tuebingen
Classification: Uncertain significance. Last evaluated: 2022-11-01. Review status: criteria provided, single submitter. Criteria: CeGaT Center For Human Genetics Tuebingen Variant Classification Criteria Version 2. Collection method: clinical testing. Allele origin: germline. Affected: yes. Observed: 1 variant allele.
Comment: GATA2: PM2, PP3